The following is an entry in ClinVar:

NM_000271.5(NPC1):c.2158C>G (p.Leu720Val)

Gene: NPC1 (NPC intracellular cholesterol transporter 1; minus strand). Cytogenetic location: 18q11.2.
Variant type: single nucleotide variant.
Coding change: c.2158C>G on transcript NM_000271.5 (MANE Select); coding-DNA position 2158, C replaced by G.
Protein change: p.Leu720Val; replaces leucine 720 with valine.
Molecular consequence: missense variant.
Genome position (GRCh38, 1-based): chr18:23,543,542, G>C on the plus strand (C>G on the coding strand, the complement: NPC1 is on the minus strand). VCF-style: chr18-23543542-G-C. GRCh37 (hg19) VCF-style: chr18-21123506-G-C.
Other names: short protein forms L720V.
Identifiers: ClinVar variation 3691425 (VCV003691425.2).

ClinVar aggregate classification (germline): Uncertain significance (1 of 4 stars; one submission).

Conditions:
Niemann-Pick disease, type C1. Also called: NEUROVISCERAL STORAGE DISEASE WITH VERTICAL SUPRANUCLEAR OPHTHALMOPLEGIA; NIEMANN-PICK DISEASE WITH CHOLESTEROL ESTERIFICATION BLOCK; NIEMANN-PICK DISEASE WITHOUT SPHINGOMYELINASE DEFICIENCY; NIEMANN-PICK DISEASE, CHRONIC NEURONOPATHIC FORM; NIEMANN-PICK DISEASE, VARIANT TYPE C1. Identifiers: Orphanet 646, MedGen C3179455, MONDO:0009757, OMIM 257220.

Submission:

Labcorp Genetics (formerly Invitae), Labcorp
Classification: Uncertain significance for Niemann-Pick disease, type C1. Last evaluated: 2025-10-02. Review status: criteria provided, single submitter. Criteria: Invitae Variant Classification Sherloc (09022015). Collection method: clinical testing. Allele origin: germline.
Comment: This sequence change replaces leucine, which is neutral and non-polar, with valine, which is neutral and non-polar, at codon 720 of the NPC1 protein (p.Leu720Val). This variant is not present in population databases (gnomAD no frequency). This variant has not been reported in the literature in individuals affected with NPC1-related conditions. ClinVar contains an entry for this variant (Variation ID: 3691425). Invitae Evidence Modeling of protein sequence and biophysical properties (such as structural, functional, and spatial information, amino acid conservation, physicochemical variation, residue mobility, and thermodynamic stability) indicates that this missense variant is not expected to disrupt NPC1 protein function with a negative predictive value of 95%. In summary, the available evidence is currently insufficient to determine the role of this variant in disease. Therefore, it has been classified as a Variant of Uncertain Significance.